The following is an entry in ClinVar:

NM_001042492.3(NF1):c.2325+5G>T

Gene: NF1 (neurofibromin 1; plus strand). Cytogenetic location: 17q11.2.
Variant type: single nucleotide variant.
Coding change: c.2325+5G>T on transcript NM_001042492.3 (MANE Select); 5 bases into the intron after coding-DNA position 2325, G replaced by T.
Molecular consequence: intron variant.
Genome position (GRCh38, 1-based): chr17:31,227,296, G>T. VCF-style: chr17-31227296-G-T. GRCh37 (hg19) VCF-style: chr17-29554314-G-T.
Other names: c.2325+5G>T (NM_000267.4).
Identifiers: ClinVar variation 821101 (VCV000821101.4), dbSNP rs1597713425, ClinGen allele CA915949761.
Genomic context (GRCh38, chr17:31,227,296, plus strand): 5'-AAAGAGTGATGGCACTGCTGAGGCGCATTGAGCATCCCACTGCAGGAAACACTGAGGTAT[G>T]CCCTTAGCAACAGAAACACCCCTCCCAGGCGCCCACCCTCAATTTGGAAGCCTCTTGTTA-3'

ClinVar aggregate classification (germline): Uncertain significance (1 of 4 stars; one submission).

Conditions:
Hereditary cancer-predisposing syndrome. Also called: Neoplastic Syndromes, Hereditary; Tumor predisposition; Hereditary Cancer Syndrome; Hereditary neoplastic syndrome. Identifiers: Orphanet 140162, MedGen C0027672, MeSH D009386, MONDO:0015356.
Cardiovascular phenotype. Identifiers: MedGen CN230736.

Submission:

Ambry Genetics
Classification: Uncertain significance for Cardiovascular phenotype; Hereditary cancer-predisposing syndrome. Last evaluated: 2018-12-14. Review status: criteria provided, single submitter. Criteria: Ambry Variant Classification Scheme 2023. Collection method: clinical testing. Allele origin: germline.
Comment: The c.2325+5G>T intronic variant results from a G to T substitution 5 nucleotides after coding exon 19 in the NF1 gene. This nucleotide position is well conserved in available vertebrate species. Using the BDGP and ESEfinder splice site prediction tools, this alteration is predicted to weaken the efficiency of the native splice donor site; however, direct evidence is unavailable. Since supporting evidence is limited at this time, the clinical significance of this alteration remains unclear.